The following is an entry in ClinVar:

NM_001283009.2(RTEL1):c.2983G>C (p.Asp995His)

Genes: RTEL1 (regulator of telomere elongation helicase 1; plus strand), RTEL1-TNFRSF6B (RTEL1-TNFRSF6B readthrough (NMD candidate); plus strand). Cytogenetic location: 20q13.33.
Variant type: single nucleotide variant.
Coding change: c.2983G>C on transcript NM_001283009.2 (MANE Select); coding-DNA position 2983, G replaced by C.
Protein change: p.Asp995His; replaces aspartic acid 995 with histidine.
Molecular consequence: missense variant. On other transcripts: non-coding transcript variant (1).
Genome position (GRCh38, 1-based): chr20:63,693,274, G>C. VCF-style: chr20-63693274-G-C. GRCh37 (hg19) VCF-style: chr20-62324627-G-C.
Other names: c.2314G>C, p.Asp772His (NM_001283010.1); c.2983G>C, p.Asp995His (NM_016434.4); c.3055G>C, p.Asp1019His (NM_032957.5); c.3055G>C (NM_032957.4); short protein forms D1019H, D772H, D995H.
Identifiers: ClinVar variation 2929369 (VCV002929369.5), dbSNP rs202020298, ClinGen allele CA9965689.

ClinVar aggregate classification (germline): Uncertain significance. Review status: criteria provided, multiple submitters, no conflicts (2 of 4 stars). 3 submissions from 3 submitters: Uncertain significance (3). Last evaluated 2024-11-30.

Conditions:
Dyskeratosis congenita, autosomal recessive 5 (DKCB5). Identifiers: MedGen C3554656, MONDO:0014076, OMIM 615190.
Pulmonary fibrosis and/or bone marrow failure, Telomere-related, 3. Also called: PULMONARY FIBROSIS AND/OR BONE MARROW FAILURE SYNDROME, TELOMERE-RELATED, 3. Identifiers: Orphanet 2032, MedGen C4225346, MONDO:0014613, OMIM 616373.
Inborn genetic diseases. Identifiers: MedGen C0950123, MeSH D030342.

Allele frequency attached by ClinVar (database versions not stated): ExAC 0.00001.
gnomAD v4.1: 10 of 1,611,578 alleles (0.00062%); highest among the groups gnomAD compares: African/African-American, 0.0027%; no homozygotes.

Submissions (3):

Ambry Genetics
Classification: Uncertain significance for Inborn genetic diseases. Last evaluated: 2024-11-30. Review status: criteria provided, single submitter. Criteria: Ambry Variant Classification Scheme 2023. Collection method: clinical testing. Allele origin: germline.
Comment: The p.D995H variant (also known as c.2983G>C), located in coding exon 29 of the RTEL1 gene, results from a G to C substitution at nucleotide position 2983. The aspartic acid at codon 995 is replaced by histidine, an amino acid with similar properties. This amino acid position is conserved. In addition, this alteration is predicted to be tolerated by in silico analysis. Based on the available evidence, the clinical significance of this variant remains unclear.

Labcorp Genetics (formerly Invitae), Labcorp
Classification: Uncertain significance for Dyskeratosis congenita, autosomal recessive 5; Pulmonary fibrosis and/or bone marrow failure, Telomere-related, 3. Last evaluated: 2023-10-29. Review status: criteria provided, single submitter. Criteria: Invitae Variant Classification Sherloc (09022015). Collection method: clinical testing. Allele origin: germline.
Comment: This sequence change replaces aspartic acid, which is acidic and polar, with histidine, which is basic and polar, at codon 995 of the RTEL1 protein (p.Asp995His). This variant is present in population databases (rs202020298, gnomAD 0.003%). This variant has not been reported in the literature in individuals affected with RTEL1-related conditions. An algorithm developed to predict the effect of missense changes on protein structure and function (PolyPhen-2) suggests that this variant is likely to be disruptive. In summary, the available evidence is currently insufficient to determine the role of this variant in disease. Therefore, it has been classified as a Variant of Uncertain Significance.

GeneDx
Classification: Uncertain significance. Last evaluated: 2023-08-01. Review status: criteria provided, single submitter. Criteria: GeneDx Variant Classification Process June 2021. Collection method: clinical testing. Allele origin: germline. Affected: yes.
Comment: Not observed at significant frequency in large population cohorts (gnomAD); In silico analysis supports that this missense variant does not alter protein structure/function; Has not been previously published as pathogenic or benign to our knowledge